The following is an entry in ClinVar:

NM_053025.4(MYLK):c.5115-7C>T

Genes: MYLK (myosin light chain kinase; minus strand), MYLK-AS1 (MYLK antisense RNA 1; plus strand). Cytogenetic location: 3q21.1.
Variant type: single nucleotide variant.
Coding change: c.5115-7C>T on transcript NM_053025.4 (MANE Select); 7 bases into the intron before coding-DNA position 5115, C replaced by T.
Molecular consequence: intron variant.
Genome position (GRCh38, 1-based): chr3:123,626,948, G>A on the plus strand (C>T on the coding strand, the complement: MYLK is on the minus strand). VCF-style: chr3-123626948-G-A. GRCh37 (hg19) VCF-style: chr3-123345795-G-A.
Other names: c.4587-7C>T (NM_001321309.2); c.4755-7C>T (NM_053028.4); c.4908-7C>T (NM_053026.4); c.4962-7C>T (NM_053027.4).
Identifiers: ClinVar variation 507773 (VCV000507773.8), dbSNP rs780015220, ClinGen allele CA072545.

ClinVar aggregate classification (germline): Likely benign. Review status: criteria provided, multiple submitters, no conflicts (2 of 4 stars). 2 submissions from 2 submitters: Likely benign (2). Last evaluated 2025-12-03.

Conditions:
Aortic aneurysm, familial thoracic 7 (AAT7). Also called: AORTIC DISSECTION, FAMILIAL, WITH OR WITHOUT AORTIC ANEURYSM. Identifiers: MedGen C3151077, MONDO:0013418, OMIM 613780.

Allele frequency attached by ClinVar (database versions not stated): gnomAD 0.00001; gnomAD exomes 0.00001 and 0.00004; ExAC 0.00007.
gnomAD v4.1: 22 of 1,614,048 alleles (0.0014%); highest among the groups gnomAD compares: Non-Finnish European, 0.0013%; no homozygotes.

Submissions (2):

Labcorp Genetics (formerly Invitae), Labcorp
Classification: Likely benign for Aortic aneurysm, familial thoracic 7. Last evaluated: 2025-12-03. Review status: criteria provided, single submitter. Criteria: Invitae Variant Classification Sherloc (09022015). Collection method: clinical testing. Allele origin: germline.

GeneDx
Classification: Likely benign. Last evaluated: 2017-03-06. Review status: criteria provided, single submitter. Criteria: GeneDx Variant Classification (06012015). Collection method: clinical testing. Allele origin: germline. Affected: yes.
Comment: This variant is considered likely benign or benign based on one or more of the following criteria: it is a conservative change, it occurs at a poorly conserved position in the protein, it is predicted to be benign by multiple in silico algorithms, and/or has population frequency not consistent with disease.